The following is an entry in ClinVar:

NM_006704.5(SUGT1):c.64C>T (p.Leu22=)

Gene: SUGT1 (SGT1 assembly cochaperone of MIS12 kinetochore complex; plus strand). Cytogenetic location: 13q14.3.
Variant type: single nucleotide variant.
Coding change: c.64C>T on transcript NM_006704.5 (MANE Select); coding-DNA position 64, C replaced by T.
Protein change: p.Leu22=; no amino-acid change (leucine 22 retained).
Molecular consequence: synonymous variant. On other transcripts: 5 prime UTR variant (1).
Genome position (GRCh38, 1-based): chr13:52,653,071, C>T. VCF-style: chr13-52653071-C-T. GRCh37 (hg19) VCF-style: chr13-53227206-C-T.
Other names: c.64C>T, p.Leu22= (NM_001130912.3); c.-233C>T (NM_001320831.2).
Identifiers: ClinVar variation 4872440 (VCV004872440.2).

ClinVar aggregate classification (germline): Likely benign (1 of 4 stars; one submission).

gnomAD v4.1: 1,296 of 1,614,132 alleles (0.08%); highest among the groups gnomAD compares: Middle Eastern, 0.13%; 1 homozygote.

Submission:

CeGaT Center for Human Genetics Tuebingen
Classification: Likely benign. Last evaluated: 2026-04-01. Review status: criteria provided, single submitter. Criteria: CeGaT Center For Human Genetics Tuebingen Variant Classification Criteria Version 2. Collection method: clinical testing. Allele origin: germline. Affected: yes. Observed: 1 variant allele.
Comment: SUGT1: BP4, BP7